The following is an entry in ClinVar:

NM_001041.4(SI):c.4474C>T (p.Arg1492Ter)

Gene: SI (sucrase-isomaltase; minus strand). Cytogenetic location: 3q26.1.
Variant type: single nucleotide variant.
Coding change: c.4474C>T on transcript NM_001041.4 (MANE Select); coding-DNA position 4474, C replaced by T.
Protein change: p.Arg1492Ter; replaces arginine 1492 with a stop codon.
Molecular consequence: nonsense.
Genome position (GRCh38, 1-based): chr3:164,998,606, G>A on the plus strand (C>T on the coding strand, the complement: SI is on the minus strand). VCF-style: chr3-164998606-G-A. GRCh37 (hg19) VCF-style: chr3-164716394-G-A.
Other names: short protein forms R1492*.
Identifiers: ClinVar variation 3608868 (VCV003608868.2).

ClinVar aggregate classification (germline): Pathogenic (1 of 4 stars; one submission).

gnomAD v4.1: 6 of 1,611,022 alleles (0.00037%); highest among the groups gnomAD compares: Non-Finnish European, 0.00051%; no homozygotes.

Submission:

Labcorp Genetics (formerly Invitae), Labcorp
Classification: Pathogenic. Last evaluated: 2025-10-29. Review status: criteria provided, single submitter. Criteria: Invitae Variant Classification Sherloc (09022015). Collection method: clinical testing. Allele origin: germline.
Comment: This sequence change creates a premature translational stop signal (p.Arg1492*) in the SI gene. It is expected to result in an absent or disrupted protein product. Loss-of-function variants in SI are known to be pathogenic (PMID: 16329100, 23103650, 25452324). This variant is present in population databases (rs747584061, gnomAD 0.002%). This premature translational stop signal has been observed in individual(s) with congenital diarrheal disorder (PMID: 33567694). ClinVar contains an entry for this variant (Variation ID: 3608868). For these reasons, this variant has been classified as Pathogenic.

Literature cited by the submitters: PubMed 16329100; PubMed 23103650; PubMed 25452324; PubMed 33567694.